The following is an entry in ClinVar:

ClinVar aggregate classification (germline): Benign. Review status: criteria provided, multiple submitters, no conflicts (2 of 4 stars). 6 submissions from 6 submitters: Benign (5). 1 of the submissions does not count toward it. Last evaluated 2026-02-02.

Conditions:
Beta-D-mannosidosis (MANSB). Also called: LYSOSOMAL BETA-MANNOSIDASE DEFICIENCY; Beta-Mannosidosis; MANNOSIDOSIS, BETA A, LYSOSOMAL; BETA-MANNOSIDASE DEFICIENCY. Identifiers: Orphanet 118, MedGen C4048196, MONDO:0009562, OMIM 248510.

Allele frequency attached by ClinVar (database versions not stated): gnomAD 0.09426 and 0.10011; TOPMed 0.10485; ESP Exome Variant Server 0.10612; 1000 Genomes Project 0.10783; 1000 Genomes Project 30x 0.11602.
gnomAD v4.1: 48,840 of 1,610,210 alleles (3%); highest among the groups gnomAD compares: African/African-American, 29%; 3,646 homozygotes.

Submissions (6):

Labcorp Genetics (formerly Invitae), Labcorp
Classification: Benign for Beta-D-mannosidosis. Last evaluated: 2026-02-02. Review status: criteria provided, single submitter. Criteria: Invitae Variant Classification Sherloc (09022015). Collection method: clinical testing. Allele origin: germline.

GeneDx
Classification: Benign. Last evaluated: 2018-06-13. Review status: criteria provided, single submitter. Criteria: GeneDx Variant Classification (06012015). Collection method: clinical testing. Allele origin: germline. Affected: yes.
Comment: This variant is considered likely benign or benign based on one or more of the following criteria: it is a conservative change, it occurs at a poorly conserved position in the protein, it is predicted to be benign by multiple in silico algorithms, and/or has population frequency not consistent with disease.

Athena Diagnostics
Classification: Benign. Last evaluated: 2018-05-23. Review status: criteria provided, single submitter. Criteria: Athena Diagnostics Criteria. Collection method: clinical testing. Allele origin: germline.

Illumina Laboratory Services, Illumina
Classification: Benign for Beta-D-mannosidosis. Last evaluated: 2018-01-12. Review status: criteria provided, single submitter. Criteria: ICSL Variant Classification Criteria 13 December 2019. Collection method: clinical testing. Allele origin: germline.
Comment: This variant was observed in the ICSL laboratory as part of a predisposition screen in an ostensibly healthy population. It had not been previously curated by ICSL or reported in the Human Gene Mutation Database (HGMD: prior to June 1st, 2018), and was therefore a candidate for classification through an automated scoring system. Utilizing variant allele frequency, disease prevalence and penetrance estimates, and inheritance mode, an automated score was calculated to assess if this variant is too frequent to cause the disease. Based on the score and internal cut-off values, a variant classified as benign is not then subjected to further curation. The score for this variant resulted in a classification of benign for this disease.

Breakthrough Genomics
Classification: Benign. Review status: criteria provided, single submitter. Criteria: ACMG Guidelines, 2015. Collection method: not provided. Allele origin: germline. Inheritance: Autosomal recessive inheritance. Affected: yes.

Mayo Clinic Laboratories, Mayo Clinic
Classification: Benign. Last evaluated: 2017-04-25. Review status: no assertion criteria provided. Collection method: clinical testing. Allele origin: unknown. Not counted in ClinVar's aggregate classification.

NM_005908.4(MANBA):c.315G>A (p.Thr105=)

Gene: MANBA (mannosidase beta; minus strand). Cytogenetic location: 4q24.
Variant type: single nucleotide variant.
Coding change: c.315G>A on transcript NM_005908.4 (MANE Select); coding-DNA position 315, G replaced by A.
Protein change: p.Thr105=; no amino-acid change (threonine 105 retained).
Molecular consequence: synonymous variant.
Genome position (GRCh38, 1-based): chr4:102,723,925, C>T on the plus strand (G>A on the coding strand, the complement: MANBA is on the minus strand). VCF-style: chr4-102723925-C-T. GRCh37 (hg19) VCF-style: chr4-103645082-C-T.
Identifiers: ClinVar variation 347099 (VCV000347099.20), dbSNP rs6857760, ClinGen allele CA3027264.